The following is an entry in ClinVar:

ClinVar aggregate classification (germline): Conflicting classifications of pathogenicity. Review status: criteria provided, conflicting classifications (1 of 4 stars). 5 submissions from 5 submitters: Uncertain significance (2); Likely benign (3). Last evaluated 2025-11-25.

Conditions:
TRPM1-related disorder. Also called: TRPM1-related condition.
Congenital stationary night blindness 1C. Also called: Night blindness, congenital stationary (complete), 1C, autosomal recessive. Identifiers: Orphanet 215, MedGen C2750747, MONDO:0013183, OMIM 613216.

Allele frequency attached by ClinVar (database versions not stated): gnomAD 0.00016; TOPMed 0.00021; 1000 Genomes Project 0.00080; 1000 Genomes Project 30x 0.00094.
gnomAD v4.1: 190 of 1,614,188 alleles (0.012%); highest among the groups gnomAD compares: East Asian, 0.4%; 1 homozygote.

Submissions (5):

Labcorp Genetics (formerly Invitae), Labcorp
Classification: Likely benign. Last evaluated: 2025-11-25. Review status: criteria provided, single submitter. Criteria: Invitae Variant Classification Sherloc (09022015). Collection method: clinical testing. Allele origin: germline.

PreventionGenetics, part of Exact Sciences
Classification: Likely benign for TRPM1-related condition. Last evaluated: 2024-11-15. Review status: criteria provided, single submitter. Criteria: ACMG Guidelines, 2015. Collection method: clinical testing. Allele origin: germline.
Comment: This variant is classified as likely benign based on ACMG/AMP sequence variant interpretation guidelines (Richards et al. 2015 PMID: 25741868, with internal and published modifications).

Blueprint Genetics
Classification: Likely benign. Last evaluated: 2024-07-17. Review status: criteria provided, single submitter. Criteria: ACMG Guidelines, 2015. Collection method: clinical testing. Allele origin: germline.

Illumina Laboratory Services, Illumina
Classification: Uncertain significance for Congenital stationary night blindness 1C. Last evaluated: 2018-01-13. Review status: criteria provided, single submitter. Criteria: ICSL Variant Classification Criteria 13 December 2019. Collection method: clinical testing. Allele origin: germline.

Eurofins Ntd Llc (ga)
Classification: Uncertain significance. Last evaluated: 2014-10-10. Review status: criteria provided, single submitter. Criteria: EGL Classification Definitions 2015. Collection method: clinical testing. Allele origin: germline. Observed: 1 variant allele, 1 heterozygote.

NM_001252024.2(TRPM1):c.2653A>G (p.Ile885Val)

Genes: TRPM1 (transient receptor potential cation channel subfamily M member 1; minus strand), TRPM1-AS1 (TRPM1 antisense RNA 1; plus strand). Cytogenetic location: 15q13.3.
Variant type: single nucleotide variant.
Coding change: c.2653A>G on transcript NM_001252024.2 (MANE Select); coding-DNA position 2653, A replaced by G.
Protein change: p.Ile885Val; replaces isoleucine 885 with valine.
Molecular consequence: missense variant.
Genome position (GRCh38, 1-based): chr15:31,035,593, T>C on the plus strand (A>G on the coding strand, the complement: TRPM1 is on the minus strand). VCF-style: chr15-31035593-T-C. GRCh37 (hg19) VCF-style: chr15-31327796-T-C.
Other names: c.2704A>G, p.Ile902Val (NM_001252020.2); c.2587A>G, p.Ile863Val (NM_002420.6); c.2704A>G (NM_001252020.1); short protein forms I863V, I885V, I902V.
Identifiers: ClinVar variation 195486 (VCV000195486.20), dbSNP rs201650867, ClinGen allele CA241929.